The following is an entry in ClinVar:

NM_015692.5(CPAMD8):c.1585+7C>T

Gene: CPAMD8 (C3 and PZP like alpha-2-macroglobulin domain containing 8; minus strand). Cytogenetic location: 19p13.11.
Variant type: single nucleotide variant.
Coding change: c.1585+7C>T on transcript NM_015692.5 (MANE Select); 7 bases into the intron after coding-DNA position 1585, C replaced by T.
Molecular consequence: intron variant.
Genome position (GRCh38, 1-based): chr19:16,980,490, G>A on the plus strand (C>T on the coding strand, the complement: CPAMD8 is on the minus strand). VCF-style: chr19-16980490-G-A. GRCh37 (hg19) VCF-style: chr19-17091300-G-A.
Identifiers: ClinVar variation 3048176 (VCV003048176.4), dbSNP rs376502447, ClinGen allele CA9285663.

ClinVar aggregate classification (germline): Likely benign. Review status: criteria provided, single submitter (1 of 4 stars). 2 submissions from 2 submitters: Likely benign (1). 1 of the submissions does not count toward it. Last evaluated 2025-01-23.

Conditions:
CPAMD8-related disorder. Also called: CPAMD8-related condition.

Allele frequency attached by ClinVar (database versions not stated): gnomAD exomes 0.00007; ExAC 0.00013; 1000 Genomes Project 30x 0.00016; 1000 Genomes Project 0.00020; ESP Exome Variant Server 0.00024; gnomAD 0.00030; TOPMed 0.00031.
gnomAD v4.1: 146 of 1,611,492 alleles (0.0091%); highest among the groups gnomAD compares: African/African-American, 0.11%; no homozygotes.

Submissions (2):

Labcorp Genetics (formerly Invitae), Labcorp
Classification: Likely benign. Last evaluated: 2025-01-23. Review status: criteria provided, single submitter. Criteria: Invitae Variant Classification Sherloc (09022015). Collection method: clinical testing. Allele origin: germline.

PreventionGenetics, part of Exact Sciences
Classification: Likely benign for CPAMD8-related condition. Last evaluated: 2019-02-20. Review status: no assertion criteria provided. Collection method: clinical testing. Allele origin: germline. Not counted in ClinVar's aggregate classification.
Comment: This variant is classified as likely benign based on ACMG/AMP sequence variant interpretation guidelines (Richards et al. 2015 PMID: 25741868, with internal and published modifications).